The following is an entry in ClinVar:

NM_021629.4(GNB4):c.6C>T (p.Ser2=)

Gene: GNB4 (G protein subunit beta 4; minus strand). Cytogenetic location: 3q26.33.
Variant type: single nucleotide variant.
Coding change: c.6C>T on transcript NM_021629.4 (MANE Select); coding-DNA position 6, C replaced by T.
Protein change: p.Ser2=; no amino-acid change (serine 2 retained).
Molecular consequence: synonymous variant.
Genome position (GRCh38, 1-based): chr3:179,426,195, G>A on the plus strand (C>T on the coding strand, the complement: GNB4 is on the minus strand). VCF-style: chr3-179426195-G-A. GRCh37 (hg19) VCF-style: chr3-179143983-G-A.
Other names: c.6C>T (NM_021629.3).
Identifiers: ClinVar variation 1167135 (VCV001167135.10), dbSNP rs369560167, ClinGen allele CA2712637.
Genomic context (GRCh38, chr3:179,426,195, plus strand): 5'-AGGTTTTACCTGAATCTGATTCCGCAGTTGTTCTGCTTCTTGCCTCAACTGTTCCAGTTC[G>A]CTCATTTTTTCAATTTGTTTACCTCAGGAGCTAATGAGTGAAAACAGCTGTTAAAAAACA-3'
Protein context (NP_067642.1, residues 1-12): M[Ser2=]ELEQLRQEAE

ClinVar aggregate classification (germline): Benign/Likely benign. Review status: criteria provided, multiple submitters, no conflicts (2 of 4 stars). 2 submissions from 2 submitters: Benign (1); Likely benign (1). Last evaluated 2025-11-11.

Conditions:
GNB4-related disorder. Also called: GNB4-related condition.
Charcot-Marie-Tooth disease dominant intermediate F. Identifiers: Orphanet 352670, MedGen C4749463, MONDO:0014074, OMIM 615185.

Allele frequency attached by ClinVar (database versions not stated): gnomAD 0.00006 and 0.00010; TOPMed 0.00006; ESP Exome Variant Server 0.00008; gnomAD exomes 0.00031; ExAC 0.00034; 1000 Genomes Project 0.00060; 1000 Genomes Project 30x 0.00062.

Submissions (2):

PreventionGenetics, part of Exact Sciences
Classification: Likely benign for GNB4-related condition. Last evaluated: 2025-11-11. Review status: criteria provided, single submitter. Criteria: ACMG Guidelines, 2015. Collection method: clinical testing. Allele origin: germline.
Comment: This variant is classified as likely benign based on ACMG/AMP sequence variant interpretation guidelines (Richards et al. 2015 PMID: 25741868, with internal and published modifications).

Labcorp Genetics (formerly Invitae), Labcorp
Classification: Benign for Charcot-Marie-Tooth disease dominant intermediate F. Last evaluated: 2024-10-28. Review status: criteria provided, single submitter. Criteria: Invitae Variant Classification Sherloc (09022015). Collection method: clinical testing. Allele origin: germline.